The following is an entry in ClinVar:

ClinVar aggregate classification (germline): Uncertain significance (1 of 4 stars; one submission).

Conditions:
Hypertrophic cardiomyopathy. Also called: HYPERTROPHIC MYOCARDIOPATHY. Identifiers: Orphanet 217569, MedGen C0007194, MeSH D002312, MONDO:0005045, HP:0001639.

Submission:

Labcorp Genetics (formerly Invitae), Labcorp
Classification: Uncertain significance for Hypertrophic cardiomyopathy. Last evaluated: 2025-06-17. Review status: criteria provided, single submitter. Criteria: Invitae Variant Classification Sherloc (09022015). Collection method: clinical testing. Allele origin: germline.
Comment: This sequence change replaces valine, which is neutral and non-polar, with leucine, which is neutral and non-polar, at codon 1661 of the MYH7 protein (p.Val1661Leu). This variant is not present in population databases (gnomAD no frequency). This variant has not been reported in the literature in individuals affected with MYH7-related conditions. ClinVar contains an entry for this variant (Variation ID: 1903319). Invitae Evidence Modeling of protein sequence and biophysical properties (such as structural, functional, and spatial information, amino acid conservation, physicochemical variation, residue mobility, and thermodynamic stability) indicates that this missense variant is not expected to disrupt MYH7 protein function with a negative predictive value of 95%. In summary, the available evidence is currently insufficient to determine the role of this variant in disease. Therefore, it has been classified as a Variant of Uncertain Significance.

NM_000257.4(MYH7):c.4981G>C (p.Val1661Leu)

Genes: MHRT (myosin heavy chain associated RNA transcript; plus strand), MYH7 (myosin heavy chain 7; minus strand), LOC126861897 (BRD4-independent group 4 enhancer GRCh37_chr14:23884455-23885654; plus strand). Cytogenetic location: 14q11.2.
Variant type: single nucleotide variant.
Coding change: c.4981G>C on transcript NM_000257.4 (MANE Select); coding-DNA position 4981, G replaced by C.
Protein change: p.Val1661Leu; replaces valine 1661 with leucine.
Molecular consequence: missense variant. On other transcripts: non-coding transcript variant (1).
Genome position (GRCh38, 1-based): chr14:23,415,805, C>G on the plus strand (G>C on the coding strand, the complement: MYH7 is on the minus strand). VCF-style: chr14-23415805-C-G. GRCh37 (hg19) VCF-style: chr14-23885014-C-G.
Other names: c.4981G>C, p.Val1661Leu (NM_001407004.1); short protein forms V1661L.
Identifiers: ClinVar variation 1903319 (VCV001903319.5), dbSNP rs1358266100, ClinGen allele CA389037200.
Genomic context (GRCh38, chr14:23,415,805, plus strand): 5'-GCAGGTTGTTGCGCCGCTCCACGATGGCGATGTTCTCCTTCAGGTCGTCGTTGGCACGGA[C>G]TGCATCGTCCAGCTGAATCTGGGTGTCCTGAGGATCAGGAGAGTGGGCATGAGCAGGGAG-3'
Protein context (NP_000248.2, residues 1651-1671): KDTQIQLDDA[Val1661Leu]RANDDLKENI